The following is an entry in ClinVar:

NM_001365088.1(SLC12A6):c.940A>T (p.Met314Leu)

Gene: SLC12A6 (solute carrier family 12 member 6; minus strand). Cytogenetic location: 15q14.
Variant type: single nucleotide variant.
Coding change: c.940A>T on transcript NM_001365088.1 (MANE Select); coding-DNA position 940, A replaced by T.
Protein change: p.Met314Leu; replaces methionine 314 with leucine.
Molecular consequence: missense variant.
Genome position (GRCh38, 1-based): chr15:34,254,526, T>A on the plus strand (A>T on the coding strand, the complement: SLC12A6 is on the minus strand). VCF-style: chr15-34254526-T-A. GRCh37 (hg19) VCF-style: chr15-34546727-T-A.
Other names: c.763A>T, p.Met255Leu (NM_001042494.2, NM_001042495.2); c.913A>T, p.Met305Leu (NM_001042496.2); c.895A>T, p.Met299Leu (NM_001042497.2); c.787A>T, p.Met263Leu (NM_005135.2); c.940A>T, p.Met314Leu (NM_133647.2); short protein forms M263L, M314L, M299L, M255L, M305L.
Identifiers: ClinVar variation 159899 (VCV000159899.14), dbSNP rs34491959, ClinGen allele CA272481.

ClinVar aggregate classification (germline): Uncertain significance. Review status: criteria provided, multiple submitters, no conflicts (2 of 4 stars). 5 submissions from 5 submitters: Uncertain significance (4). 1 of the submissions does not count toward it. Last evaluated 2024-08-02.

Conditions:
Agenesis of the corpus callosum with peripheral neuropathy (ACCPN). Also called: Hereditary Motor and Sensory Neuropathy with Agenesis of the Corpus Callosum; POLYNEUROPATHY, SENSORIMOTOR, WITH OR WITHOUT AGENESIS OF THE CORPUS CALLOSUM; HMSN/ACC; CHARLEVOIX DISEASE. Identifiers: Orphanet 1496, MedGen C0795950, MONDO:0000902, OMIM 218000. Disease mechanism: loss of function.

Allele frequency attached by ClinVar (database versions not stated): ExAC 0.00001; gnomAD 0.00001; gnomAD exomes 0.00002; TOPMed 0.00002.
gnomAD v4.1: 21 of 1,611,478 alleles (0.0013%); highest among the groups gnomAD compares: Non-Finnish European, 0.00025%; no homozygotes.

Submissions (5):

Labcorp Genetics (formerly Invitae), Labcorp
Classification: Uncertain significance. Last evaluated: 2024-08-02. Review status: criteria provided, single submitter. Criteria: Invitae Variant Classification Sherloc (09022015). Collection method: clinical testing. Allele origin: germline.
Comment: This sequence change replaces methionine, which is neutral and non-polar, with leucine, which is neutral and non-polar, at codon 314 of the SLC12A6 protein (p.Met314Leu). This variant is present in population databases (rs34491959, gnomAD 0.04%). This variant has not been reported in the literature in individuals affected with SLC12A6-related conditions. ClinVar contains an entry for this variant (Variation ID: 159899). Advanced modeling of protein sequence and biophysical properties (such as structural, functional, and spatial information, amino acid conservation, physicochemical variation, residue mobility, and thermodynamic stability) performed at Invitae indicates that this missense variant is not expected to disrupt SLC12A6 protein function with a negative predictive value of 80%. In summary, the available evidence is currently insufficient to determine the role of this variant in disease. Therefore, it has been classified as a Variant of Uncertain Significance.

Genome-Nilou Lab
Classification: Uncertain significance for Agenesis of the corpus callosum with peripheral neuropathy. Last evaluated: 2021-07-15. Review status: criteria provided, single submitter. Criteria: ACMG Guidelines, 2015. Collection method: clinical testing. Allele origin: germline. Affected: no.

Illumina Laboratory Services, Illumina
Classification: Uncertain significance for Agenesis of the corpus callosum with peripheral neuropathy. Last evaluated: 2018-01-12. Review status: criteria provided, single submitter. Criteria: ICSL Variant Classification Criteria 13 December 2019. Collection method: clinical testing. Allele origin: germline.

Genetic Services Laboratory, University of Chicago
Classification: Uncertain significance for Agenesis of the corpus callosum with peripheral neuropathy. Last evaluated: 2013-03-04. Review status: criteria provided, single submitter. Criteria: ACMG Guidelines, 2007. Collection method: clinical testing. Allele origin: germline. Inheritance: Autosomal recessive inheritance.

Natera, Inc.
Classification: Uncertain significance for Andermann syndrome. Last evaluated: 2020-04-18. Review status: no assertion criteria provided. Collection method: clinical testing. Allele origin: germline. Not counted in ClinVar's aggregate classification.